The following is an entry in ClinVar:

ClinVar aggregate classification (germline): Uncertain significance (1 of 4 stars; one submission).

Conditions:
CACNA1H-related disorder.

Submission:

PreventionGenetics, part of Exact Sciences
Classification: Uncertain significance for CACNA1H-related condition. Last evaluated: 2025-01-31. Review status: criteria provided, single submitter. Criteria: ACMG Guidelines, 2015. Collection method: clinical testing. Allele origin: germline.
Comment: The CACNA1H c.6175C>A variant is predicted to result in the amino acid substitution p.Pro2059Thr. To our knowledge, this variant has not been reported in the literature or in a large population database (gnomAD), indicating this variant is rare. At this time, the clinical significance of this variant is uncertain due to the absence of conclusive functional and genetic evidence.

NM_021098.3(CACNA1H):c.6175C>A (p.Pro2059Thr)

Gene: CACNA1H (calcium voltage-gated channel subunit alpha1 H; plus strand). Cytogenetic location: 16p13.3.
Variant type: single nucleotide variant.
Coding change: c.6175C>A on transcript NM_021098.3 (MANE Select); coding-DNA position 6175, C replaced by A.
Protein change: p.Pro2059Thr; replaces proline 2059 with threonine.
Molecular consequence: missense variant.
Genome position (GRCh38, 1-based): chr16:1,220,107, C>A. VCF-style: chr16-1220107-C-A. GRCh37 (hg19) VCF-style: chr16-1270107-C-A.
Other names: c.6157C>A, p.Pro2053Thr (NM_001005407.2); short protein forms P2059T, P2053T.
Identifiers: ClinVar variation 4997472 (VCV004997472.1).